The following is an entry in ClinVar:

NM_199420.4(POLQ):c.7345T>C (p.Tyr2449His)

Gene: POLQ (DNA polymerase theta; minus strand). Cytogenetic location: 3q13.33.
Variant type: single nucleotide variant.
Coding change: c.7345T>C on transcript NM_199420.4 (MANE Select); coding-DNA position 7345, T replaced by C.
Protein change: p.Tyr2449His; replaces tyrosine 2449 with histidine.
Molecular consequence: missense variant.
Genome position (GRCh38, 1-based): chr3:121,440,036, A>G on the plus strand (T>C on the coding strand, the complement: POLQ is on the minus strand). VCF-style: chr3-121440036-A-G. GRCh37 (hg19) VCF-style: chr3-121158883-A-G.
Other names: short protein forms Y2449H.
Identifiers: ClinVar variation 2625869 (VCV002625869.2), dbSNP rs2546749873, ClinGen allele CA354098155.

ClinVar aggregate classification (germline): Uncertain significance (1 of 4 stars; one submission).

Submission:

Ambry Genetics
Classification: Uncertain significance. Last evaluated: 2023-08-31. Review status: criteria provided, single submitter. Criteria: Ambry Variant Classification Scheme 2023. Collection method: clinical testing. Allele origin: germline.
Comment: The p.Y2449H variant (also known as c.7345T>C), located in coding exon 27 of the POLQ gene, results from a T to C substitution at nucleotide position 7345. The tyrosine at codon 2449 is replaced by histidine, an amino acid with similar properties. This amino acid position is conserved. In addition, this alteration is predicted to be deleterious by in silico analysis. Since supporting evidence is limited at this time, the clinical significance of this alteration remains unclear.